The following is an entry in ClinVar:

ClinVar aggregate classification (germline): Uncertain significance (1 of 4 stars; one submission).

Conditions:
RASopathy. Also called: Noonan spectrum disorder; rasopathies. Identifiers: Orphanet 536391, MedGen C5555857, MONDO:0021060.

Submission:

Labcorp Genetics (formerly Invitae), Labcorp
Classification: Uncertain significance for RASopathy. Last evaluated: 2026-01-12. Review status: criteria provided, single submitter. Criteria: Invitae Variant Classification Sherloc (09022015). Collection method: clinical testing. Allele origin: germline.
Comment: This sequence change replaces proline, which is neutral and non-polar, with arginine, which is basic and polar, at codon 384 of the RAF1 protein (p.Pro384Arg). This variant is not present in population databases (gnomAD no frequency). This variant has not been reported in the literature in individuals affected with RAF1-related conditions. ClinVar contains an entry for this variant (Variation ID: 1467331). Invitae Evidence Modeling of protein sequence and biophysical properties (such as structural, functional, and spatial information, amino acid conservation, physicochemical variation, residue mobility, and thermodynamic stability) indicates that this missense variant is expected to disrupt RAF1 protein function with a positive predictive value of 95%. In summary, the available evidence is currently insufficient to determine the role of this variant in disease. Therefore, it has been classified as a Variant of Uncertain Significance.

NM_002880.4(RAF1):c.1151C>G (p.Pro384Arg)

Gene: RAF1 (Raf-1 proto-oncogene, serine/threonine kinase; minus strand). Cytogenetic location: 3p25.2.
Variant type: single nucleotide variant.
Coding change: c.1151C>G on transcript NM_002880.4 (MANE Select); coding-DNA position 1151, C replaced by G.
Protein change: p.Pro384Arg; replaces proline 384 with arginine.
Molecular consequence: missense variant. On other transcripts: non-coding transcript variant (3).
Genome position (GRCh38, 1-based): chr3:12,591,750, G>C on the plus strand (C>G on the coding strand, the complement: RAF1 is on the minus strand). VCF-style: chr3-12591750-G-C. GRCh37 (hg19) VCF-style: chr3-12633249-G-C.
Other names: c.1211C>G, p.Pro404Arg (NM_001354689.3); c.1151C>G, p.Pro384Arg (NM_001354690.3); c.908C>G, p.Pro303Arg (NM_001354691.3, NM_001354692.3); c.1052C>G, p.Pro351Arg (NM_001354693.3); c.968C>G, p.Pro323Arg (NM_001354694.3); c.809C>G, p.Pro270Arg (NM_001354695.3); short protein forms P323R, P404R, P270R, P384R, P303R, P351R.
Identifiers: ClinVar variation 1467331 (VCV001467331.6), dbSNP rs2125347586, ClinGen allele CA351503939.